The following is an entry in ClinVar:

NM_000059.4(BRCA2):c.2400dup (p.Asn801Ter)

Gene: BRCA2 (BRCA2 DNA repair associated; plus strand). Cytogenetic location: 13q13.1.
Variant type: Duplication.
Coding change: c.2400dup on transcript NM_000059.4 (MANE Select); coding-DNA position 2400, one base duplicated (T; older notation c.2400dupT).
Protein change: p.Asn801Ter; replaces asparagine 801 with a stop codon.
Molecular consequence: nonsense. On other transcripts: non-coding transcript variant (1), intron variant (2), frameshift variant (1).
Genome position (GRCh38, 1-based): chr13:32,336,755, T duplicated. VCF-style (leftmost placement, unchanged base first): chr13-32336754-G-GT. GRCh37 (hg19) VCF-style: chr13-32910891-G-GT.
Other names: c.2400dup, p.Asn801Ter (NM_001406719.1, NM_001406720.1); c.1909+3368dup (NM_001406721.1); c.424+5725dup (NM_001406722.1); c.2400dupT (NM_000059.3); short protein forms N801*.
Identifiers: ClinVar variation 2586264 (VCV002586264.2), dbSNP rs2548523784, ClinGen allele CA2582341836.

ClinVar aggregate classification (germline): Pathogenic (1 of 4 stars; one submission).

Conditions:
Hereditary cancer-predisposing syndrome. Also called: Hereditary neoplastic syndrome; Tumor predisposition; Hereditary Cancer Syndrome; Neoplastic Syndromes, Hereditary. Identifiers: Orphanet 140162, MedGen C0027672, MeSH D009386, MONDO:0015356.

Submission:

Ambry Genetics
Classification: Pathogenic for Hereditary cancer-predisposing syndrome. Last evaluated: 2023-06-20. Review status: criteria provided, single submitter. Criteria: Ambry Variant Classification Scheme 2023. Collection method: clinical testing. Allele origin: germline.
Comment: The c.2400dupT pathogenic mutation, located in coding exon 10 of the BRCA2 gene, results from a duplication of T at nucleotide position 2400, causing a translational frameshift with a predicted alternate stop codon (p.N801*). This variant is considered to be rare based on population cohorts in the Genome Aggregation Database (gnomAD). This alteration is expected to result in loss of function by premature protein truncation or nonsense-mediated mRNA decay. As such, this alteration is interpreted as a disease-causing mutation.